The following is an entry in ClinVar:

ClinVar aggregate classification (germline): Conflicting classifications of pathogenicity. Review status: criteria provided, conflicting classifications (1 of 4 stars). 4 submissions from 4 submitters: Uncertain significance (3); Benign (1). Last evaluated 2026-01-25.

Conditions:
Inborn genetic diseases. Identifiers: MedGen C0950123, MeSH D030342.

Allele frequency attached by ClinVar (database versions not stated): TOPMed 0.00011.
gnomAD v4.1: 118 of 1,613,828 alleles (0.0073%); highest among the groups gnomAD compares: Non-Finnish European, 0.0091%; no homozygotes.

Submissions (4):

Labcorp Genetics (formerly Invitae), Labcorp
Classification: Benign. Last evaluated: 2026-01-25. Review status: criteria provided, single submitter. Criteria: Invitae Variant Classification Sherloc (09022015). Collection method: clinical testing. Allele origin: germline.

Ambry Genetics
Classification: Uncertain significance for Inborn genetic diseases. Last evaluated: 2024-08-26. Review status: criteria provided, single submitter. Criteria: Ambry Variant Classification Scheme 2023. Collection method: clinical testing. Allele origin: germline.

Blueprint Genetics
Classification: Uncertain significance. Last evaluated: 2023-11-27. Review status: criteria provided, single submitter. Criteria: ACMG Guidelines, 2015. Collection method: clinical testing. Allele origin: germline.

GeneDx
Classification: Uncertain significance. Last evaluated: 2021-09-20. Review status: criteria provided, single submitter. Criteria: GeneDx Variant Classification Process June 2021. Collection method: clinical testing. Allele origin: germline. Affected: yes.
Comment: Not observed at significant frequency in large population cohorts (Lek et al., 2016); In silico analysis, which includes protein predictors and evolutionary conservation, supports that this variant does not alter protein structure/function; Has not been previously published as pathogenic or benign to our knowledge

NM_032119.4(ADGRV1):c.15737G>A (p.Arg5246Gln)

Gene: ADGRV1 (adhesion G protein-coupled receptor V1; plus strand). Cytogenetic location: 5q14.3.
Variant type: single nucleotide variant.
Coding change: c.15737G>A on transcript NM_032119.4 (MANE Select); coding-DNA position 15737, G replaced by A.
Protein change: p.Arg5246Gln; replaces arginine 5246 with glutamine.
Molecular consequence: missense variant. On other transcripts: non-coding transcript variant (1).
Genome position (GRCh38, 1-based): chr5:90,810,997, G>A. VCF-style: chr5-90810997-G-A. GRCh37 (hg19) VCF-style: chr5-90106814-G-A.
Other names: short protein forms R5246Q.
Identifiers: ClinVar variation 858112 (VCV000858112.15), dbSNP rs772037044, ClinGen allele CA3341973.